The following is an entry in ClinVar:

ClinVar aggregate classification (germline): Conflicting classifications of pathogenicity. Review status: criteria provided, conflicting classifications (1 of 4 stars). 3 submissions from 3 submitters: Uncertain significance (1); Likely benign (2). Last evaluated 2024-06-01.

Conditions:
Seizures, benign familial infantile, 3 (BFIS3). Also called: CONVULSIONS, BENIGN FAMILIAL INFANTILE, 3; Familial neonatal seizures. Identifiers: Orphanet 140927, Orphanet 306, MedGen C1843140, MONDO:0011904, OMIM 607745.
Developmental and epileptic encephalopathy, 11 (DEE11). Also called: Early infantile epileptic encephalopathy 11. Identifiers: Orphanet 1934, MedGen C3150987, MONDO:0013388, OMIM 613721.

Submissions (3):

CeGaT Center for Human Genetics Tuebingen
Classification: Uncertain significance. Last evaluated: 2024-06-01. Review status: criteria provided, single submitter. Criteria: CeGaT Center For Human Genetics Tuebingen Variant Classification Criteria Version 2. Collection method: clinical testing. Allele origin: germline. Affected: yes. Observed: 1 variant allele.
Comment: SCN2A: PM2, BP4

Blueprint Genetics
Classification: Likely benign. Last evaluated: 2024-04-30. Review status: criteria provided, single submitter. Criteria: ACMG Guidelines, 2015. Collection method: clinical testing. Allele origin: germline.

Labcorp Genetics (formerly Invitae), Labcorp
Classification: Likely benign for Seizures, benign familial infantile, 3; Developmental and epileptic encephalopathy, 11. Last evaluated: 2022-11-01. Review status: criteria provided, single submitter. Criteria: Invitae Variant Classification Sherloc (09022015). Collection method: clinical testing. Allele origin: germline.

NM_001040142.2(SCN2A):c.4551+8T>G

Gene: SCN2A (sodium voltage-gated channel alpha subunit 2; plus strand). Cytogenetic location: 2q24.3.
Variant type: single nucleotide variant.
Coding change: c.4551+8T>G on transcript NM_001040142.2 (MANE Select); 8 bases into the intron after coding-DNA position 4551, T replaced by G.
Molecular consequence: intron variant.
Genome position (GRCh38, 1-based): chr2:165,381,205, T>G. VCF-style: chr2-165381205-T-G. GRCh37 (hg19) VCF-style: chr2-166237715-T-G.
Other names: c.4551+8T>G (NM_001040143.2, NM_001371246.1, NM_001371247.1 and 1 more transcripts).
Identifiers: ClinVar variation 1659954 (VCV001659954.27), dbSNP rs1064797263, ClinGen allele CA1304561272.